The following is an entry in ClinVar:

NM_001194998.2(CEP152):c.1271C>G (p.Thr424Arg)

Gene: CEP152 (centrosomal protein 152; minus strand). Cytogenetic location: 15q21.1.
Variant type: single nucleotide variant.
Coding change: c.1271C>G on transcript NM_001194998.2 (MANE Select); coding-DNA position 1271, C replaced by G.
Protein change: p.Thr424Arg; replaces threonine 424 with arginine.
Molecular consequence: missense variant.
Genome position (GRCh38, 1-based): chr15:48,784,023, G>C on the plus strand (C>G on the coding strand, the complement: CEP152 is on the minus strand). VCF-style: chr15-48784023-G-C. GRCh37 (hg19) VCF-style: chr15-49076220-G-C.
Other names: c.1271C>G, p.Thr424Arg (NM_014985.4); c.1271C>G (NM_014985.3); short protein forms T424R.
Identifiers: ClinVar variation 2427896 (VCV002427896.4), dbSNP rs553281360, ClinGen allele CA7548895.

ClinVar aggregate classification (germline): Uncertain significance. Review status: criteria provided, multiple submitters, no conflicts (2 of 4 stars). 2 submissions from 2 submitters: Uncertain significance (2). Last evaluated 2024-12-03.

Conditions:
Inborn genetic diseases. Identifiers: MedGen C0950123, MeSH D030342.

Allele frequency attached by ClinVar (database versions not stated): TOPMed below 0.00001; gnomAD 0.00003; gnomAD exomes 0.00004; ExAC 0.00013; 1000 Genomes Project 0.00040; 1000 Genomes Project 30x 0.00047.
gnomAD v4.1: 66 of 1,613,580 alleles (0.0041%); highest among the groups gnomAD compares: South Asian, 0.069%; no homozygotes.

Submissions (2):

Ambry Genetics
Classification: Uncertain significance for Inborn genetic diseases. Last evaluated: 2024-12-03. Review status: criteria provided, single submitter. Criteria: Ambry Variant Classification Scheme 2023. Collection method: clinical testing. Allele origin: germline.

Labcorp Genetics (formerly Invitae), Labcorp
Classification: Uncertain significance. Last evaluated: 2022-01-17. Review status: criteria provided, single submitter. Criteria: Invitae Variant Classification Sherloc (09022015). Collection method: clinical testing. Allele origin: germline.
Comment: This sequence change replaces threonine, which is neutral and polar, with arginine, which is basic and polar, at codon 424 of the CEP152 protein (p.Thr424Arg). This variant is present in population databases (rs553281360, gnomAD 0.08%). This variant has not been reported in the literature in individuals affected with CEP152-related conditions. Algorithms developed to predict the effect of missense changes on protein structure and function are either unavailable or do not agree on the potential impact of this missense change (SIFT: "Deleterious"; PolyPhen-2: "Probably Damaging"; Align-GVGD: "Class C15"). In summary, the available evidence is currently insufficient to determine the role of this variant in disease. Therefore, it has been classified as a Variant of Uncertain Significance.